The following is an entry in ClinVar:

ClinVar aggregate classification (germline): Uncertain significance (1 of 4 stars; one submission).

Conditions:
Neuropathy, hereditary sensory and autonomic, type 2A (HSAN2A). Also called: ACROOSTEOLYSIS, GIACCAI TYPE; ACROOSTEOLYSIS, NEUROGENIC; MORVAN DISEASE; NEUROPATHY, CONGENITAL SENSORY; NEUROPATHY, HEREDITARY SENSORY RADICULAR, AUTOSOMAL RECESSIVE; NEUROPATHY, HEREDITARY SENSORY, TYPE IIA. Identifiers: Orphanet 970, MedGen C2752089, MONDO:0024309, OMIM 201300.
Pseudohypoaldosteronism type 2C (PHA2C). Also called: Pseudohypoaldosteronism Type IIC. Identifiers: Orphanet 757, Orphanet 88940, MedGen C1840391, MONDO:0013778, OMIM 614492.

Submission:

Labcorp Genetics (formerly Invitae), Labcorp
Classification: Uncertain significance for Neuropathy, hereditary sensory and autonomic, type 2A; Pseudohypoaldosteronism type 2C. Last evaluated: 2022-04-20. Review status: criteria provided, single submitter. Criteria: Invitae Variant Classification Sherloc (09022015). Collection method: clinical testing. Allele origin: germline.
Comment: In summary, the available evidence is currently insufficient to determine the role of this variant in disease. Therefore, it has been classified as a Variant of Uncertain Significance. Advanced modeling of protein sequence and biophysical properties (such as structural, functional, and spatial information, amino acid conservation, physicochemical variation, residue mobility, and thermodynamic stability) performed at Invitae indicates that this missense variant is not expected to disrupt WNK1 protein function. This variant has not been reported in the literature in individuals affected with WNK1-related conditions. This variant is not present in population databases (gnomAD no frequency). This sequence change replaces glycine, which is neutral and non-polar, with aspartic acid, which is acidic and polar, at codon 952 of the WNK1 protein (p.Gly952Asp).

NM_213655.5(WNK1):c.2855G>A (p.Gly952Asp)

Gene: WNK1 (WNK lysine deficient protein kinase 1; plus strand). Cytogenetic location: 12p13.33.
Variant type: single nucleotide variant.
Coding change: c.2855G>A on transcript NM_213655.5 (MANE Plus Clinical); coding-DNA position 2855, G replaced by A.
Protein change: p.Gly952Asp; replaces glycine 952 with aspartic acid.
Molecular consequence: missense variant. On other transcripts: intron variant (2).
Genome position (GRCh38, 1-based): chr12:868,326, G>A. VCF-style: chr12-868326-G-A. GRCh37 (hg19) VCF-style: chr12-977492-G-A.
Other names: c.2600G>A, p.Gly867Asp (NM_001184985.2); c.2140-2939G>A (NM_018979.4, NM_014823.3); short protein forms G952D, G867D.
Identifiers: ClinVar variation 2128327 (VCV002128327.4), dbSNP rs1446094915, ClinGen allele CA383339761.
Genomic context (GRCh38, chr12:868,326, plus strand): 5'-AGGAAGCAGTGTATGTAGCTGGGGTACATTACCAGGCCCGGGTGGCAGAACAGTATGAGG[G>A]CATTCCATACAACTCATCAGTACTGTCAAGTCCTATGAAACAGATACCTGAACAGAAGCC-3'
Protein context (NP_998820.3, residues 942-962): YQARVAEQYE[Gly952Asp]IPYNSSVLSS